The following is an entry in ClinVar:

ClinVar aggregate classification (germline): Benign/Likely benign. Review status: criteria provided, multiple submitters, no conflicts (2 of 4 stars). 2 submissions from 2 submitters: Benign (1); Likely benign (1). Last evaluated 2026-01-26.

Conditions:
STX3-related disorder. Also called: STX3-related condition.

Allele frequency attached by ClinVar (database versions not stated): gnomAD exomes 0.00197; ExAC 0.00218; 1000 Genomes Project 0.00659; gnomAD 0.00716 and 0.00759; 1000 Genomes Project 30x 0.00750; TOPMed 0.00864; ESP Exome Variant Server 0.00924.
gnomAD v4.1: 2,304 of 1,612,402 alleles (0.14%); highest among the groups gnomAD compares: African/African-American, 2.5%; 21 homozygotes.

Submissions (2):

Labcorp Genetics (formerly Invitae), Labcorp
Classification: Benign. Last evaluated: 2026-01-26. Review status: criteria provided, single submitter. Criteria: Invitae Variant Classification Sherloc (09022015). Collection method: clinical testing. Allele origin: germline.

PreventionGenetics, part of Exact Sciences
Classification: Likely benign for STX3-related condition. Last evaluated: 2024-11-13. Review status: criteria provided, single submitter. Criteria: ACMG Guidelines, 2015. Collection method: clinical testing. Allele origin: germline.
Comment: This variant is classified as likely benign based on ACMG/AMP sequence variant interpretation guidelines (Richards et al. 2015 PMID: 25741868, with internal and published modifications).

NM_004177.5(STX3):c.290-5T>C

Gene: STX3 (syntaxin 3; plus strand). Cytogenetic location: 11q12.1.
Variant type: single nucleotide variant.
Coding change: c.290-5T>C on transcript NM_004177.5 (MANE Select); 5 bases into the intron before coding-DNA position 290, T replaced by C.
Molecular consequence: intron variant.
Genome position (GRCh38, 1-based): chr11:59,790,514, T>C. VCF-style: chr11-59790514-T-C. GRCh37 (hg19) VCF-style: chr11-59557987-T-C.
Other names: c.290-5T>C (NM_001440524.1, NM_001440526.1, NM_001440529.1 and 7 more transcripts); c.284-5T>C (NM_001440528.1).
Identifiers: ClinVar variation 768451 (VCV000768451.12), dbSNP rs114165244, ClinGen allele CA6020823.